The following is an entry in ClinVar:

NM_001077415.3(CRELD1):c.616G>A (p.Ala206Thr)

Gene: CRELD1 (CRELD disulfide isomerase 1; plus strand). Cytogenetic location: 3p25.3.
Variant type: single nucleotide variant.
Coding change: c.616G>A on transcript NM_001077415.3 (MANE Select); coding-DNA position 616, G replaced by A.
Protein change: p.Ala206Thr; replaces alanine 206 with threonine.
Molecular consequence: missense variant. On other transcripts: non-coding transcript variant (3).
Genome position (GRCh38, 1-based): chr3:9,941,005, G>A. VCF-style: chr3-9941005-G-A. GRCh37 (hg19) VCF-style: chr3-9982689-G-A.
Other names: c.616G>A, p.Ala206Thr (NM_001031717.4, NM_001374316.1, NM_001374317.1 and 4 more transcripts); short protein forms A206T.
Identifiers: ClinVar variation 414254 (VCV000414254.15), dbSNP rs200024536, ClinGen allele CA2247744.

ClinVar aggregate classification (germline): Benign/Likely benign. Review status: criteria provided, multiple submitters, no conflicts (2 of 4 stars). 2 submissions from 2 submitters: Benign (1); Likely benign (1). Last evaluated 2026-09-01.

Conditions:
Atrioventricular septal defect, susceptibility to, 2. Identifiers: MedGen C1853508, MONDO:0011650, OMIM 606217.

Allele frequency attached by ClinVar (database versions not stated): gnomAD 0.00029 and 0.00030; 1000 Genomes Project 0.00040; gnomAD exomes 0.00040 and 0.00205; 1000 Genomes Project 30x 0.00047; TOPMed 0.00080; ExAC 0.00163.

Submissions (2):

CeGaT Center for Human Genetics Tuebingen
Classification: Likely benign. Last evaluated: 2026-09-01. Review status: criteria provided, single submitter. Criteria: CeGaT Center For Human Genetics Tuebingen Variant Classification Criteria Version 2. Collection method: clinical testing. Allele origin: germline. Affected: yes. Observed: 7 variant alleles.
Comment: CRELD1: BP4, BS1

Labcorp Genetics (formerly Invitae), Labcorp
Classification: Benign for Atrioventricular septal defect, susceptibility to, 2. Last evaluated: 2026-01-14. Review status: criteria provided, single submitter. Criteria: Invitae Variant Classification Sherloc (09022015). Collection method: clinical testing. Allele origin: germline.